The following is an entry in ClinVar:

ClinVar aggregate classification (germline): Conflicting classifications of pathogenicity. Review status: criteria provided, conflicting classifications (1 of 4 stars). 7 submissions from 6 submitters: Uncertain significance (2); Benign (1); Likely benign (4). Last evaluated 2026-01-18.

Conditions:
Craniofacial-deafness-hand syndrome (CDHS). Identifiers: Orphanet 1529, MedGen C1852510, MONDO:0007395, OMIM 122880.
Hearing impairment. Also called: Impaired Hearing. Identifiers: MedGen C1384666, MONDO:0005365, HP:0000365.
Waardenburg syndrome. Also called: Waardenburg's syndrome. Identifiers: Orphanet 3440, MedGen C3266898, MONDO:0018094.

Allele frequency attached by ClinVar (database versions not stated): ESP Exome Variant Server 0.00015; 1000 Genomes Project 0.00020; gnomAD 0.00022 and 0.00026; gnomAD exomes 0.00022; TOPMed 0.00023; ExAC 0.00028; 1000 Genomes Project 30x 0.00031.
gnomAD v4.1: 413 of 1,613,916 alleles (0.026%); highest among the groups gnomAD compares: Middle Eastern, 0.082%; 1 homozygote.

Submissions (7):

Labcorp Genetics (formerly Invitae), Labcorp
Classification: Likely benign. Last evaluated: 2026-01-18. Review status: criteria provided, single submitter. Criteria: Invitae Variant Classification Sherloc (09022015). Collection method: clinical testing. Allele origin: germline.

Blueprint Genetics
Classification: Uncertain significance. Last evaluated: 2024-11-07. Review status: criteria provided, single submitter. Criteria: ACMG Guidelines, 2015. Collection method: clinical testing. Allele origin: germline.

Department of Otolaryngology – Head & Neck Surgery, Cochlear Implant Center
Classification: Uncertain significance for Hearing impairment. Last evaluated: 2021-04-12. Review status: criteria provided, single submitter. Criteria: ClinGen HL ACMG Specifications v1. Collection method: clinical testing. Allele origin: germline. Affected: yes.
Comment: PP3_Supporting

GeneDx
Classification: Likely benign. Last evaluated: 2020-09-14. Review status: criteria provided, single submitter. Criteria: GeneDx Variant Classification Process June 2021. Collection method: clinical testing. Allele origin: germline. Affected: yes.
Comment: In silico analysis, which includes protein predictors and evolutionary conservation, supports a deleterious effect; Has not been previously published as pathogenic or benign to our knowledge

Laboratory for Molecular Medicine, Mass General Brigham Personalized Medicine
Classification: Likely benign. Last evaluated: 2019-08-05. Review status: criteria provided, single submitter. Criteria: LMM Criteria. Collection method: clinical testing. Allele origin: germline. Observed: 1 variant allele.
Comment: The p.Pro372Leu variant in PAX3 is classified as likely benign because it has been identified in 0.03% (12/30602) of South Asian chromosomes by gnomAD. Computational prediction tools and conservation analyses do not provide strong support for or against an impact to the protein. ACMG/AMP Criteria applied: BS1.

Illumina Laboratory Services, Illumina
Classification: Likely benign for Waardenburg syndrome. Last evaluated: 2018-01-13. Review status: criteria provided, single submitter. Criteria: ICSL Variant Classification Criteria 13 December 2019. Collection method: clinical testing. Allele origin: germline.
Comment: This variant was observed in the ICSL laboratory as part of a predisposition screen in an ostensibly healthy population. It had not been previously curated by ICSL or reported in the Human Gene Mutation Database (HGMD: prior to June 1st, 2018), and was therefore a candidate for classification through an automated scoring system. Utilizing variant allele frequency, disease prevalence and penetrance estimates, and inheritance mode, an automated score was calculated to assess if this variant is too frequent to cause the disease. Based on the score and internal cut-off values, a variant classified as likely benign is not then subjected to further curation. The score for this variant resulted in a classification of likely benign for this disease.

Illumina Laboratory Services, Illumina
Classification: Benign for Craniofacial-deafness-hand syndrome. Last evaluated: 2018-01-13. Review status: criteria provided, single submitter. Criteria: ICSL Variant Classification Criteria 13 December 2019. Collection method: clinical testing. Allele origin: germline.
Comment: This variant was observed in the ICSL laboratory as part of a predisposition screen in an ostensibly healthy population. It had not been previously curated by ICSL or reported in the Human Gene Mutation Database (HGMD: prior to June 1st, 2018), and was therefore a candidate for classification through an automated scoring system. Utilizing variant allele frequency, disease prevalence and penetrance estimates, and inheritance mode, an automated score was calculated to assess if this variant is too frequent to cause the disease. Based on the score and internal cut-off values, a variant classified as benign is not then subjected to further curation. The score for this variant resulted in a classification of benign for this disease.

NM_181458.4(PAX3):c.1118C>T (p.Pro373Leu)

Genes: PAX3 (paired box 3; minus strand), LOC126806529 (CDK7 strongly-dependent group 2 enhancer GRCh37_chr2:223084735-223085934; plus strand). Cytogenetic location: 2q36.1.
Variant type: single nucleotide variant.
Coding change: c.1118C>T on transcript NM_181458.4 (MANE Select); coding-DNA position 1118, C replaced by T.
Protein change: p.Pro373Leu; replaces proline 373 with leucine.
Molecular consequence: missense variant.
Genome position (GRCh38, 1-based): chr2:222,220,195, G>A on the plus strand (C>T on the coding strand, the complement: PAX3 is on the minus strand). VCF-style: chr2-222220195-G-A. GRCh37 (hg19) VCF-style: chr2-223084914-G-A.
Other names: c.1115C>T, p.Pro372Leu (NM_001127366.3); c.1118C>T, p.Pro373Leu (NM_181457.4, NM_181459.4, NM_181460.4 and 1 more transcripts); short protein forms P373L, P372L.
Identifiers: ClinVar variation 334559 (VCV000334559.19), dbSNP rs200701839, ClinGen allele CA2135497.